The following is an entry in ClinVar:

ClinVar aggregate classification (germline): Uncertain significance (1 of 4 stars; one submission).

Submission:

GeneDx
Classification: Uncertain significance. Last evaluated: 2019-06-10. Review status: criteria provided, single submitter. Criteria: GeneDx Variant Classification Process June 2021. Collection method: clinical testing. Allele origin: germline. Affected: yes.
Comment: Not observed in large population cohorts (Lek et al., 2016); In silico analysis, which includes protein predictors and evolutionary conservation, supports a deleterious effect; Has not been previously published as pathogenic or benign to our knowledge

NM_001142864.4(PIEZO1):c.1845C>G (p.Phe615Leu)

Genes: HSALR1 (HSP90AB1 associated lncRNA 1; plus strand), PIEZO1 (piezo type mechanosensitive ion channel component 1 (Er blood group); minus strand). Cytogenetic location: 16q24.3.
Variant type: single nucleotide variant.
Coding change: c.1845C>G on transcript NM_001142864.4 (MANE Select); coding-DNA position 1845, C replaced by G.
Protein change: p.Phe615Leu; replaces phenylalanine 615 with leucine.
Molecular consequence: missense variant.
Genome position (GRCh38, 1-based): chr16:88,734,878, G>C on the plus strand (C>G on the coding strand, the complement: PIEZO1 is on the minus strand). VCF-style: chr16-88734878-G-C. GRCh37 (hg19) VCF-style: chr16-88801286-G-C.
Other names: short protein forms F615L.
Identifiers: ClinVar variation 1306253 (VCV001306253.2), dbSNP rs759222494, ClinGen allele CA397115074.